The following is an entry in ClinVar:

NM_013275.6(ANKRD11):c.6887C>T (p.Ala2296Val)

Gene: ANKRD11 (ankyrin repeat domain 11; minus strand). Cytogenetic location: 16q24.3.
Variant type: single nucleotide variant.
Coding change: c.6887C>T on transcript NM_013275.6 (MANE Select); coding-DNA position 6887, C replaced by T.
Protein change: p.Ala2296Val; replaces alanine 2296 with valine.
Molecular consequence: missense variant.
Genome position (GRCh38, 1-based): chr16:89,279,655, G>A on the plus strand (C>T on the coding strand, the complement: ANKRD11 is on the minus strand). VCF-style: chr16-89279655-G-A. GRCh37 (hg19) VCF-style: chr16-89346063-G-A.
Other names: c.6887C>T, p.Ala2296Val (NM_001256182.2, NM_001256183.2); c.6887C>T (NM_013275.4); short protein forms A2296V.
Identifiers: ClinVar variation 2058305 (VCV002058305.4), dbSNP rs1033011026, ClinGen allele CA286509703.

ClinVar aggregate classification (germline): Uncertain significance. Review status: criteria provided, multiple submitters, no conflicts (2 of 4 stars). 2 submissions from 2 submitters: Uncertain significance (2). Last evaluated 2025-11-26.

Conditions:
Inborn genetic diseases. Identifiers: MedGen C0950123, MeSH D030342.
KBG syndrome (KBGS). Also called: ANKRD11-Related KBG Syndrome. Identifiers: Orphanet 2332, MedGen C0220687, MONDO:0007846, OMIM 148050.

Allele frequency attached by ClinVar (database versions not stated): gnomAD exomes 0.00001; TOPMed 0.00002; gnomAD 0.00003.
gnomAD v4.1: 18 of 1,441,236 alleles (0.0012%); highest among the groups gnomAD compares: Non-Finnish European, 0.0015%; no homozygotes.

Submissions (2):

Ambry Genetics
Classification: Uncertain significance for Inborn genetic diseases. Last evaluated: 2025-11-26. Review status: criteria provided, single submitter. Criteria: Ambry Variant Classification Scheme 2023. Collection method: clinical testing. Allele origin: germline.

Labcorp Genetics (formerly Invitae), Labcorp
Classification: Uncertain significance for KBG syndrome. Last evaluated: 2025-10-02. Review status: criteria provided, single submitter. Criteria: Invitae Variant Classification Sherloc (09022015). Collection method: clinical testing. Allele origin: germline.
Comment: This sequence change replaces alanine, which is neutral and non-polar, with valine, which is neutral and non-polar, at codon 2296 of the ANKRD11 protein (p.Ala2296Val). This variant is present in population databases (no rsID available, gnomAD 0.005%). This variant has not been reported in the literature in individuals affected with ANKRD11-related conditions. ClinVar contains an entry for this variant (Variation ID: 2058305). Invitae Evidence Modeling of protein sequence and biophysical properties (such as structural, functional, and spatial information, amino acid conservation, physicochemical variation, residue mobility, and thermodynamic stability) indicates that this missense variant is not expected to disrupt ANKRD11 protein function with a negative predictive value of 95%. In summary, the available evidence is currently insufficient to determine the role of this variant in disease. Therefore, it has been classified as a Variant of Uncertain Significance.